The following is an entry in ClinVar:

NM_006614.4(CHL1):c.28C>G (p.Leu10Val)

Gene: CHL1 (cell adhesion molecule L1 like; plus strand). Cytogenetic location: 3p26.3.
Variant type: single nucleotide variant.
Coding change: c.28C>G on transcript NM_006614.4 (MANE Select); coding-DNA position 28, C replaced by G.
Protein change: p.Leu10Val; replaces leucine 10 with valine.
Molecular consequence: missense variant.
Genome position (GRCh38, 1-based): chr3:319,804, C>G. VCF-style: chr3-319804-C-G. GRCh37 (hg19) VCF-style: chr3-361487-C-G.
Other names: c.28C>G, p.Leu10Val (NM_001253387.2, NM_001253388.1); short protein forms L10V.
Identifiers: ClinVar variation 718047 (VCV000718047.7), dbSNP rs139673243, ClinGen allele CA2224180.

ClinVar aggregate classification (germline): Likely benign. Review status: criteria provided, multiple submitters, no conflicts (2 of 4 stars). 3 submissions from 3 submitters: Likely benign (2). 1 of the submissions does not count toward it. Last evaluated 2019-12-31.

Conditions:
CHL1-related disorder. Also called: CHL1-related condition.

Allele frequency attached by ClinVar (database versions not stated): ESP Exome Variant Server 0.00015; gnomAD exomes 0.00021 and 0.00081; gnomAD 0.00054 and 0.00059; ExAC 0.00056; TOPMed 0.00120; 1000 Genomes Project 0.00200; 1000 Genomes Project 30x 0.00250.
gnomAD v4.1: 398 of 1,608,120 alleles (0.025%); highest among the groups gnomAD compares: Admixed American, 0.6%; 1 homozygote.

Submissions (3):

Labcorp Genetics (formerly Invitae), Labcorp
Classification: Likely benign. Last evaluated: 2019-12-31. Review status: criteria provided, single submitter. Criteria: Invitae Variant Classification Sherloc (09022015). Collection method: clinical testing. Allele origin: germline.

Breakthrough Genomics
Classification: Likely benign. Review status: criteria provided, single submitter. Criteria: ACMG Guidelines, 2015. Collection method: not provided. Allele origin: germline. Inheritance: Unknown mechanism. Affected: yes.

PreventionGenetics, part of Exact Sciences
Classification: Likely benign for CHL1-related condition. Last evaluated: 2019-06-18. Review status: no assertion criteria provided. Collection method: clinical testing. Allele origin: germline. Not counted in ClinVar's aggregate classification.
Comment: This variant is classified as likely benign based on ACMG/AMP sequence variant interpretation guidelines (Richards et al. 2015 PMID: 25741868, with internal and published modifications).